The following is an entry in ClinVar:

NM_003060.4(SLC22A5):c.976C>G (p.Gln326Glu)

Gene: SLC22A5 (solute carrier family 22 member 5; plus strand). Cytogenetic location: 5q31.1.
Variant type: single nucleotide variant.
Coding change: c.976C>G on transcript NM_003060.4 (MANE Select); coding-DNA position 976, C replaced by G.
Protein change: p.Gln326Glu; replaces glutamine 326 with glutamic acid.
Molecular consequence: missense variant.
Genome position (GRCh38, 1-based): chr5:132,388,945, C>G. VCF-style: chr5-132388945-C-G. GRCh37 (hg19) VCF-style: chr5-131724637-C-G.
Other names: c.1048C>G, p.Gln350Glu (NM_001308122.2); short protein forms Q326E, Q350E.
Identifiers: ClinVar variation 665382 (VCV000665382.7), dbSNP rs1047810495, ClinGen allele CA360806149.
Genomic context (GRCh38, chr5:132,388,945, plus strand): 5'-TCTTCTTCCCATACACTTATGATGTTGTTCCTGCAGTTACAAGACCTAAGTTCCAAGAAG[C>G]AGCAGTCCCACAACATTCTGGATCTGCTTCGAACCTGGAATATCCGGATGGTCACCATCA-3'
Protein context (NP_003051.1, residues 316-336): SELQDLSSKK[Gln326Glu]QSHNILDLLR

ClinVar aggregate classification (germline): Uncertain significance. Review status: criteria provided, single submitter (1 of 4 stars). 2 submissions from 2 submitters: Uncertain significance (1). 1 of the submissions does not count toward it. Last evaluated 2021-08-28.

Conditions:
Decreased circulating carnitine concentration. Also called: Decreased plasma carnitine. Identifiers: MedGen C5848230, HP:0003234.
Renal carnitine transport defect (CDSP). Also called: Carnitine Deficiency, Systemic; Systemic primary carnitine deficiency; Carnitine transporter deficiency; Systemic primary carnitine deficiency disease; Primary carnitine deficiency; CARNITINE DEFICIENCY, SYSTEMIC, DUE TO DEFECT IN RENAL REABSORPTION OF CARNITINE. Identifiers: Orphanet 158, MedGen C0342788, MONDO:0008919, OMIM 212140.

Allele frequency attached by ClinVar (database versions not stated): gnomAD exomes below 0.00001 and 0.00001; TOPMed 0.00001.
gnomAD v4.1: 12 of 1,613,304 alleles (0.00074%); highest among the groups gnomAD compares: Non-Finnish European, 0.001%; no homozygotes.

Submissions (2):

Labcorp Genetics (formerly Invitae), Labcorp
Classification: Uncertain significance for Renal carnitine transport defect. Last evaluated: 2021-08-28. Review status: criteria provided, single submitter. Criteria: Invitae Variant Classification Sherloc (09022015). Collection method: clinical testing. Allele origin: germline.
Comment: This sequence change replaces glutamine with glutamic acid at codon 326 of the SLC22A5 protein (p.Gln326Glu). The glutamine residue is weakly conserved and there is a small physicochemical difference between glutamine and glutamic acid. This variant is not present in population databases (ExAC no frequency). This variant has not been reported in the literature in individuals affected with SLC22A5-related conditions. Algorithms developed to predict the effect of missense changes on protein structure and function (SIFT, PolyPhen-2, Align-GVGD) all suggest that this variant is likely to be tolerated. In summary, the available evidence is currently insufficient to determine the role of this variant in disease. Therefore, it has been classified as a Variant of Uncertain Significance.

Natera, Inc.
Classification: Uncertain significance for Carnitine deficiency. Last evaluated: 2021-07-29. Review status: no assertion criteria provided. Collection method: clinical testing. Allele origin: germline. Not counted in ClinVar's aggregate classification.